The following is an entry in ClinVar:

NM_021927.3(GUF1):c.46G>A (p.Ala16Thr)

Genes: GUF1 (GTP binding elongation factor GUF1; plus strand), LOC129992541 (ATAC-STARR-seq lymphoblastoid silent region 15397; plus strand). Cytogenetic location: 4p12.
Variant type: single nucleotide variant.
Coding change: c.46G>A on transcript NM_021927.3 (MANE Select); coding-DNA position 46, G replaced by A.
Protein change: p.Ala16Thr; replaces alanine 16 with threonine.
Molecular consequence: missense variant. On other transcripts: 5 prime UTR variant (2).
Genome position (GRCh38, 1-based): chr4:44,678,668, G>A. VCF-style: chr4-44678668-G-A. GRCh37 (hg19) VCF-style: chr4-44680685-G-A.
Other names: c.-923G>A (NM_001345867.2); c.46G>A, p.Ala16Thr (NM_001345868.2); c.-815G>A (NM_001345869.2); c.46G>A (NM_021927.2); short protein forms A16T.
Identifiers: ClinVar variation 1494007 (VCV001494007.9), dbSNP rs773627332, ClinGen allele CA2905169.

ClinVar aggregate classification (germline): Uncertain significance. Review status: criteria provided, multiple submitters, no conflicts (2 of 4 stars). 2 submissions from 2 submitters: Uncertain significance (2). Last evaluated 2025-05-06.

Allele frequency attached by ClinVar (database versions not stated): gnomAD exomes 0.00001; ExAC 0.00002; gnomAD 0.00003 and 0.00004; TOPMed 0.00003.
gnomAD v4.1: 17 of 1,490,386 alleles (0.0011%); highest among the groups gnomAD compares: African/African-American, 0.018%; no homozygotes.

Submissions (2):

Ambry Genetics
Classification: Uncertain significance. Last evaluated: 2025-05-06. Review status: criteria provided, single submitter. Criteria: Ambry Variant Classification Scheme 2023. Collection method: clinical testing. Allele origin: germline.

Labcorp Genetics (formerly Invitae), Labcorp
Classification: Uncertain significance. Last evaluated: 2022-08-28. Review status: criteria provided, single submitter. Criteria: Invitae Variant Classification Sherloc (09022015). Collection method: clinical testing. Allele origin: germline.
Comment: Algorithms developed to predict the effect of missense changes on protein structure and function output the following: SIFT: "Tolerated"; PolyPhen-2: "Benign"; Align-GVGD: "Class C0". The threonine amino acid residue is found in multiple mammalian species, which suggests that this missense change does not adversely affect protein function. In summary, the available evidence is currently insufficient to determine the role of this variant in disease. Therefore, it has been classified as a Variant of Uncertain Significance. ClinVar contains an entry for this variant (Variation ID: 1494007). This variant has not been reported in the literature in individuals affected with GUF1-related conditions. This variant is present in population databases (rs773627332, gnomAD 0.01%). This sequence change replaces alanine, which is neutral and non-polar, with threonine, which is neutral and polar, at codon 16 of the GUF1 protein (p.Ala16Thr).